The following is an entry in ClinVar:

ClinVar aggregate classification (germline): Uncertain significance (1 of 4 stars; one submission).

Allele frequency attached by ClinVar (database versions not stated): gnomAD exomes below 0.00001; ExAC 0.00001.
gnomAD v4.1: 8 of 1,614,186 alleles (0.0005%); highest among the groups gnomAD compares: Non-Finnish European, 0.00068%; no homozygotes.

Submission:

Labcorp Genetics (formerly Invitae), Labcorp
Classification: Uncertain significance. Last evaluated: 2022-11-15. Review status: criteria provided, single submitter. Criteria: Invitae Variant Classification Sherloc (09022015). Collection method: clinical testing. Allele origin: germline.
Comment: In summary, the available evidence is currently insufficient to determine the role of this variant in disease. Therefore, it has been classified as a Variant of Uncertain Significance. Advanced modeling of protein sequence and biophysical properties (such as structural, functional, and spatial information, amino acid conservation, physicochemical variation, residue mobility, and thermodynamic stability) performed at Invitae indicates that this missense variant is not expected to disrupt TEAD1 protein function. ClinVar contains an entry for this variant (Variation ID: 1480924). This variant has not been reported in the literature in individuals affected with TEAD1-related conditions. This variant is present in population databases (rs753760505, gnomAD 0.0009%). This sequence change replaces alanine, which is neutral and non-polar, with serine, which is neutral and polar, at codon 196 of the TEAD1 protein (p.Ala196Ser).

NM_021961.6(TEAD1):c.586G>T (p.Ala196Ser)

Gene: TEAD1 (TEA domain transcription factor 1; plus strand). Cytogenetic location: 11p15.3.
Variant type: single nucleotide variant.
Coding change: c.586G>T on transcript NM_021961.6 (MANE Select); coding-DNA position 586, G replaced by T.
Protein change: p.Ala196Ser; replaces alanine 196 with serine.
Molecular consequence: missense variant.
Genome position (GRCh38, 1-based): chr11:12,883,012, G>T. VCF-style: chr11-12883012-G-T. GRCh37 (hg19) VCF-style: chr11-12904559-G-T.
Other names: short protein forms A196S.
Identifiers: ClinVar variation 1480924 (VCV001480924.6), dbSNP rs753760505, ClinGen allele CA5891682.